The following is an entry in ClinVar:

ClinVar aggregate classification (germline): Uncertain significance (1 of 4 stars; one submission).

Conditions:
Familial thoracic aortic aneurysm and aortic dissection (TAAD). Also called: Thoracic aortic aneurysms and dissections. Identifiers: Orphanet 91387, MedGen C4707243, MONDO:0019625.

Allele frequency attached by ClinVar (database versions not stated): gnomAD exomes below 0.00001; gnomAD 0.00001; TOPMed 0.00001.
gnomAD v4.1: 3 of 1,612,724 alleles (0.00019%); highest among the groups gnomAD compares: African/African-American, 0.004%; no homozygotes.

Submission:

Ambry Genetics
Classification: Uncertain significance for Familial thoracic aortic aneurysm and aortic dissection. Last evaluated: 2023-02-12. Review status: criteria provided, single submitter. Criteria: Ambry Variant Classification Scheme 2023. Collection method: clinical testing. Allele origin: germline.
Comment: The p.I792L variant (also known as c.2374A>C), located in coding exon 15 of the NOTCH1 gene, results from an A to C substitution at nucleotide position 2374. The isoleucine at codon 792 is replaced by leucine, an amino acid with highly similar properties. This amino acid position is conserved. In addition, the in silico prediction for this alteration is inconclusive. Since supporting evidence is limited at this time, the clinical significance of this alteration remains unclear.

NM_017617.5(NOTCH1):c.2374A>C (p.Ile792Leu)

Gene: NOTCH1 (notch receptor 1; minus strand). Cytogenetic location: 9q34.3.
Variant type: single nucleotide variant.
Coding change: c.2374A>C on transcript NM_017617.5 (MANE Select); coding-DNA position 2374, A replaced by C.
Protein change: p.Ile792Leu; replaces isoleucine 792 with leucine.
Molecular consequence: missense variant.
Genome position (GRCh38, 1-based): chr9:136,513,114, T>G on the plus strand (A>C on the coding strand, the complement: NOTCH1 is on the minus strand). VCF-style: chr9-136513114-T-G. GRCh37 (hg19) VCF-style: chr9-139407566-T-G.
Other names: short protein forms I792L.
Identifiers: ClinVar variation 2452192 (VCV002452192.2), dbSNP rs1351869593, ClinGen allele CA375556756.
Genomic context (GRCh38, chr9:136,513,114, plus strand): 5'-CGGCAACGTCGTCAATACACGTGCCCTGGTTCAGACATGGGTTGGACGCACACTCGTTGA[T>G]GTTGGTCTGGCAGTTGGGACCTGGAGGGAAGGGGACAGCACTCGGCATGTCCAGCACTCC-3'
Protein context (NP_060087.3, residues 782-802): GFSGPNCQTN[Ile792Leu]NECASNPCLN